The following is an entry in ClinVar:

ClinVar aggregate classification (germline): Uncertain significance (1 of 4 stars; one submission).

Allele frequency attached by ClinVar (database versions not stated): gnomAD exomes below 0.00001; gnomAD 0.00001; TOPMed 0.00002.
gnomAD v4.1: 3 of 1,613,764 alleles (0.00019%); highest among the groups gnomAD compares: African/African-American, 0.004%; no homozygotes.

Submission:

GeneDx
Classification: Uncertain significance. Last evaluated: 2020-10-23. Review status: criteria provided, single submitter. Criteria: GeneDx Variant Classification Process June 2021. Collection method: clinical testing. Allele origin: germline. Affected: yes.
Comment: Has not been previously published as pathogenic or benign to our knowledge; Not observed in large population cohorts (Lek et al., 2016); In silico analysis supports that this missense variant has a deleterious effect on protein structure/function; Not located in the triple helical region, where the majority of pathogenic missense variants occur (Symoens et al., 2012; Stenson et al., 2014)

NM_000093.5(COL5A1):c.164T>C (p.Ile55Thr)

Gene: COL5A1 (collagen type V alpha 1 chain; plus strand). Cytogenetic location: 9q34.3.
Variant type: single nucleotide variant.
Coding change: c.164T>C on transcript NM_000093.5 (MANE Select); coding-DNA position 164, T replaced by C.
Protein change: p.Ile55Thr; replaces isoleucine 55 with threonine.
Molecular consequence: missense variant.
Genome position (GRCh38, 1-based): chr9:134,690,966, T>C. VCF-style: chr9-134690966-T-C. GRCh37 (hg19) VCF-style: chr9-137582812-T-C.
Other names: c.164T>C, p.Ile55Thr (NM_001278074.1); short protein forms I55T.
Identifiers: ClinVar variation 1318475 (VCV001318475.2), dbSNP rs899196123, ClinGen allele CA201076555.